The following is an entry in ClinVar:

ClinVar aggregate classification (germline): Conflicting classifications of pathogenicity. Review status: criteria provided, conflicting classifications (1 of 4 stars). 2 submissions from 2 submitters: Uncertain significance (1); Likely benign (1). Last evaluated 2025-08-06.

Conditions:
Amyotrophic lateral sclerosis type 1 (ALS1). Also called: AMYOTROPHIC LATERAL SCLEROSIS 1, FAMILIAL. Identifiers: Orphanet 803, MedGen C1862939, MONDO:0007103, OMIM 105400.
Neuronopathy, distal hereditary motor, type 7B. Also called: Distal Hereditary Motor Neuronopathy Type 7B (dHMN7B); HMN VIIB; LOWER MOTOR NEURON DISEASE, DYNACTIN TYPE; NEURONOPATHY, DISTAL HEREDITARY MOTOR, AUTOSOMAL DOMINANT 14; NEURONOPATHY, DISTAL HEREDITARY MOTOR, HARDING TYPE VIIB; NEUROPATHY, DISTAL HEREDITARY MOTOR, HARDING TYPE VIIB. Identifiers: Orphanet 139589, MedGen C1843315, MONDO:0011879, OMIM 607641.
Perry syndrome. Also called: PARKINSONISM WITH ALVEOLAR HYPOVENTILATION AND MENTAL DEPRESSION. Identifiers: Orphanet 178509, MedGen C1868594, MONDO:0008201, OMIM 168605.

Allele frequency attached by ClinVar (database versions not stated): ExAC 0.00001.
gnomAD v4.1: 5 of 1,614,114 alleles (0.00031%); highest among the groups gnomAD compares: Middle Eastern, 0.016%; no homozygotes.

Submissions (2):

Labcorp Genetics (formerly Invitae), Labcorp
Classification: Uncertain significance for Amyotrophic lateral sclerosis type 1; Neuronopathy, distal hereditary motor, type 7B; Perry syndrome. Last evaluated: 2025-08-06. Review status: criteria provided, single submitter. Criteria: Invitae Variant Classification Sherloc (09022015). Collection method: clinical testing. Allele origin: germline.
Comment: This sequence change falls in intron 31 of the DCTN1 gene. It does not directly change the encoded amino acid sequence of the DCTN1 protein. It affects a nucleotide within the consensus splice site. This variant is present in population databases (rs747435830, gnomAD no frequency). This variant has not been reported in the literature in individuals affected with DCTN1-related conditions. ClinVar contains an entry for this variant (Variation ID: 1447817). Variants that disrupt the consensus splice site are a relatively common cause of aberrant splicing (PMID: 17576681, 9536098). Algorithms developed to predict the effect of sequence changes on RNA splicing suggest that this variant is not likely to affect RNA splicing. In summary, the available evidence is currently insufficient to determine the role of this variant in disease. Therefore, it has been classified as a Variant of Uncertain Significance.

Blueprint Genetics
Classification: Likely benign. Last evaluated: 2022-12-30. Review status: criteria provided, single submitter. Criteria: ACMG Guidelines, 2015. Collection method: clinical testing. Allele origin: germline.

Literature cited by the submitters: PubMed 17576681 (cited by Labcorp Genetics (formerly Invitae), Labcorp); PubMed 9536098 (cited by Labcorp Genetics (formerly Invitae), Labcorp).

NM_004082.5(DCTN1):c.3700-3C>T

Gene: DCTN1 (dynactin subunit 1; minus strand). Cytogenetic location: 2p13.1.
Variant type: single nucleotide variant.
Coding change: c.3700-3C>T on transcript NM_004082.5 (MANE Select); 3 bases into the intron before coding-DNA position 3700, C replaced by T.
Molecular consequence: intron variant.
Genome position (GRCh38, 1-based): chr2:74,361,639, G>A on the plus strand (C>T on the coding strand, the complement: DCTN1 is on the minus strand). VCF-style: chr2-74361639-G-A. GRCh37 (hg19) VCF-style: chr2-74588766-G-A.
Other names: c.3574-3C>T (NM_001190836.2); c.3631-3C>T (NM_001378992.1); c.3649-3C>T (NM_001378991.1); c.3625-3C>T (NM_001135040.3); c.3679-3C>T (NM_001190837.2); c.3283-3C>T (NM_001135041.3); c.3298-3C>T (NM_023019.4).
Identifiers: ClinVar variation 1447817 (VCV001447817.7), dbSNP rs747435830, ClinGen allele CA1721371.